The following is an entry in ClinVar:

ClinVar aggregate classification (germline): Benign. Review status: criteria provided, single submitter (1 of 4 stars). 2 submissions from 2 submitters: Benign (1). 1 of the submissions does not count toward it. Last evaluated 2025-11-18.

Conditions:
KMT2D-related disorder. Also called: KMT2D-Related Disorders.
Kabuki syndrome. Also called: NIIKAWA-KUROKI SYNDROME; Kabuki make-up syndrome. Identifiers: Orphanet 2322, MedGen C0796004, MONDO:0016512.

Allele frequency attached by ClinVar (database versions not stated): ESP Exome Variant Server 0.00008; 1000 Genomes Project 30x 0.00031; 1000 Genomes Project 0.00040.
gnomAD v4.1: 60 of 1,612,834 alleles (0.0037%); highest among the groups gnomAD compares: African/African-American, 0.067%; no homozygotes.

Submissions (2):

Labcorp Genetics (formerly Invitae), Labcorp
Classification: Benign for Kabuki syndrome. Last evaluated: 2025-11-18. Review status: criteria provided, single submitter. Criteria: Invitae Variant Classification Sherloc (09022015). Collection method: clinical testing. Allele origin: germline.

PreventionGenetics, part of Exact Sciences
Classification: Likely benign for KMT2D-related condition. Last evaluated: 2021-02-16. Review status: no assertion criteria provided. Collection method: clinical testing. Allele origin: germline. Not counted in ClinVar's aggregate classification.
Comment: This variant is classified as likely benign based on ACMG/AMP sequence variant interpretation guidelines (Richards et al. 2015 PMID: 25741868, with internal and published modifications).

NM_003482.4(KMT2D):c.15900C>G (p.Ala5300=)

Gene: KMT2D (lysine methyltransferase 2D; minus strand). Cytogenetic location: 12q13.12.
Variant type: single nucleotide variant.
Coding change: c.15900C>G on transcript NM_003482.4 (MANE Select); coding-DNA position 15900, C replaced by G.
Protein change: p.Ala5300=; no amino-acid change (alanine 5300 retained).
Molecular consequence: synonymous variant.
Genome position (GRCh38, 1-based): chr12:49,024,831, G>C on the plus strand (C>G on the coding strand, the complement: KMT2D is on the minus strand). VCF-style: chr12-49024831-G-C. GRCh37 (hg19) VCF-style: chr12-49418614-G-C.
Identifiers: ClinVar variation 2169383 (VCV002169383.6), dbSNP rs202037419, ClinGen allele CA6545475.
Genomic context (GRCh38, chr12:49,024,831, plus strand): 5'-GTGCCCGCCAAGCCCCCCAGCTCCCAGCCCCTTCCTTACTGATTCAGCTATGCGAAGCAC[G>C]GCATGCACCGTCAGCCCAAAGAGCTCCTCGCCCTTCAGATACTCAGGGAAGAGTCGCAGC-3'
Protein context (NP_003473.3, residues 5290-5310): GEELFGLTVH[Ala5300=]VLRIAESLPG